The following is an entry in ClinVar:

NM_003743.5(NCOA1):c.1190C>A (p.Ala397Asp)

Gene: NCOA1 (nuclear receptor coactivator 1; plus strand). Cytogenetic location: 2p23.3.
Variant type: single nucleotide variant.
Coding change: c.1190C>A on transcript NM_003743.5 (MANE Select); coding-DNA position 1190, C replaced by A.
Protein change: p.Ala397Asp; replaces alanine 397 with aspartic acid.
Molecular consequence: missense variant.
Genome position (GRCh38, 1-based): chr2:24,706,660, C>A. VCF-style: chr2-24706660-C-A. GRCh37 (hg19) VCF-style: chr2-24929529-C-A.
Other names: c.1190C>A, p.Ala397Asp (NM_001362950.1, NM_001362952.1, NM_001362954.1 and 3 more transcripts); short protein forms A397D.
Identifiers: ClinVar variation 4992793 (VCV004992793.1).

ClinVar aggregate classification (germline): Uncertain significance (1 of 4 stars; one submission).

Conditions:
NCOA1-related disorder. Also called: NCOA1-related condition.

gnomAD v4.1: 1 of 1,614,238 alleles (0.000062%); highest among the groups gnomAD compares: Non-Finnish European, 0.000085%; no homozygotes.

Submission:

PreventionGenetics, part of Exact Sciences
Classification: Uncertain significance for NCOA1-related condition. Last evaluated: 2026-03-28. Review status: criteria provided, single submitter. Criteria: ACMG Guidelines, 2015. Collection method: clinical testing. Allele origin: germline.
Comment: The NCOA1 c.1190C>A variant is predicted to result in the amino acid substitution p.Ala397Asp. To our knowledge, this variant has not been reported in the literature or in a large population database (gnomAD), indicating this variant is rare. At this time, the clinical significance of this variant is uncertain due to the absence of conclusive functional and genetic evidence.